The following is an entry in ClinVar:

NM_001754.5(RUNX1):c.1197C>A (p.Ser399Arg)

Gene: RUNX1 (RUNX family transcription factor 1; minus strand). Cytogenetic location: 21q22.12.
Variant type: single nucleotide variant.
Coding change: c.1197C>A on transcript NM_001754.5 (MANE Select); coding-DNA position 1197, C replaced by A.
Protein change: p.Ser399Arg; replaces serine 399 with arginine.
Molecular consequence: missense variant.
Genome position (GRCh38, 1-based): chr21:34,792,381, G>T on the plus strand (C>A on the coding strand, the complement: RUNX1 is on the minus strand). VCF-style: chr21-34792381-G-T. GRCh37 (hg19) VCF-style: chr21-36164678-G-T.
Other names: NM_001754.5(RUNX1):c.1197C>A; p.Ser399Arg; c.1116C>A, p.Ser372Arg (NM_001001890.3); short protein forms S399R, S372R.
Identifiers: ClinVar variation 463978 (VCV000463978.12), dbSNP rs1555884864, ClinGen allele CA410147802.

ClinVar aggregate classification (germline): Uncertain significance. Review status: reviewed by expert panel (3 of 4 stars). 4 submissions from 4 submitters: Uncertain significance (1). 3 of the submissions do not count toward it. Last evaluated 2025-01-15.

Conditions:
Inborn genetic diseases. Identifiers: MedGen C0950123, MeSH D030342.
Hereditary thrombocytopenia and hematologic cancer predisposition syndrome. Identifiers: Orphanet 71290, MedGen CN281654, MONDO:0011071.
Acute myeloid leukemia (AML). Also called: Leukemia, acute myeloid, somatic; Leukemia, acute myelogenous, somatic; Acute myeloid leukemia, adult; AML adult; Acute non-lymphocytic leukemia; Acute granulocytic leukemia. Identifiers: Orphanet 519, MedGen C0023467, MeSH D015470, MONDO:0018874, OMIM 601626, HP:0004808. Disease mechanism: Constitutively activated FLT3.
Hereditary thrombocytopenia and hematological cancer predisposition syndrome associated with RUNX1. Also called: Familial thrombocytopenia with propensity to acute myelogenous leukemia; RUNX1 Familial Platelet Disorder with Associated Myeloid Malignancies; Familial Platelet Disorder with Propensity to Acute Myelogenous Leukemia; PLATELET DISORDER, ASPIRIN-LIKE. Identifiers: Orphanet 71290, MedGen C1832388, MeSH C563324, MONDO:0100083, OMIM 601399.

Submissions (4):

ClinGen Myeloid Malignancy Variant Curation Expert Panel
Classification: Uncertain significance for Hereditary thrombocytopenia and hematologic cancer predisposition syndrome. Last evaluated: 2025-01-15. Review status: reviewed by expert panel. Criteria: ClinGen MyeloMalig ACMG Specifications v2. Collection method: curation. Allele origin: germline. Inheritance: Autosomal dominant inheritance.
Comment: NM_001754.5(RUNX1):c.1197C>A (p.Ser399Arg) is a missense variant which has a REVEL score < 0.50 (0.126) and a SpliceAI score ≤ 0.20 (0.0) (BP4). This variant is completely absent from all population databases with at least 20x coverage for RUNX1 (PM2_Supporting). In summary, the clinical significance of this variant is uncertain. ACMG/AMP criteria applied, as specified by the Myeloid Malignancy Variant Curation Expert Panel for RUNX1: BP4, PM2_supporting.

Ambry Genetics
Classification: Uncertain significance for Inborn genetic diseases. Last evaluated: 2026-04-24. Review status: criteria provided, single submitter. Criteria: Ambry Variant Classification Scheme 2023. Collection method: clinical testing. Allele origin: germline. Not counted in ClinVar's aggregate classification.
Comment: The p.S399R variant (also known as c.1197C>A), located in coding exon 8 of the RUNX1 gene, results from a C to A substitution at nucleotide position 1197. The serine at codon 399 is replaced by arginine, an amino acid with dissimilar properties. This amino acid position is not well conserved in available vertebrate species. In addition, this alteration is predicted to be tolerated by in silico analysis. Based on the available evidence, the clinical significance of this variant remains unclear.

Labcorp Genetics (formerly Invitae), Labcorp
Classification: Uncertain significance for Hereditary thrombocytopenia and hematological cancer predisposition syndrome associated with RUNX1. Last evaluated: 2023-09-26. Review status: criteria provided, single submitter. Criteria: Invitae Variant Classification Sherloc (09022015). Collection method: clinical testing. Allele origin: germline. Not counted in ClinVar's aggregate classification.
Comment: This sequence change replaces serine, which is neutral and polar, with arginine, which is basic and polar, at codon 399 of the RUNX1 protein (p.Ser399Arg). This variant is not present in population databases (gnomAD no frequency). This variant has not been reported in the literature in individuals affected with RUNX1-related conditions. ClinVar contains an entry for this variant (Variation ID: 463978). Advanced modeling of protein sequence and biophysical properties (such as structural, functional, and spatial information, amino acid conservation, physicochemical variation, residue mobility, and thermodynamic stability) performed at Invitae indicates that this missense variant is not expected to disrupt RUNX1 protein function. In summary, the available evidence is currently insufficient to determine the role of this variant in disease. Therefore, it has been classified as a Variant of Uncertain Significance.

Baylor Genetics
Classification: Uncertain significance for Acute myeloid leukemia. Last evaluated: 2023-06-30. Review status: criteria provided, single submitter. Criteria: ACMG Guidelines, 2015. Collection method: clinical testing. Allele origin: unknown. Not counted in ClinVar's aggregate classification.